The following is an entry in ClinVar:

ClinVar aggregate classification (germline): Pathogenic/Likely pathogenic. Review status: criteria provided, multiple submitters, no conflicts (2 of 4 stars). 2 submissions from 2 submitters: Pathogenic (1); Likely pathogenic (1). Last evaluated 2022-11-01.

Conditions:
Primary dilated cardiomyopathy (DCM). Also called: Dilated Cardiomyopathy. Identifiers: Orphanet 217604, MedGen C0007193, MeSH D002311, MONDO:0005021, HP:0001644. Inheritance: Various modes of inheritance.

Submissions (2):

Genetics and Molecular Pathology, SA Pathology
Classification: Likely pathogenic for Primary dilated cardiomyopathy. Last evaluated: 2022-11-01. Review status: criteria provided, single submitter. Criteria: ACMG Guidelines, 2015. Collection method: clinical testing. Allele origin: germline. Affected: yes.
Comment: The TTN c.85200_85203del variant is classified as Likely Pathogenic (PVS1_Strong, PM2) This TTN c.85200_85203del variant is located in exon 326/363 and is predicted to cause a shift in the reading frame at codon 28401, likely resulting in nonsense mediated decay of the mRNA product. This is a null variant in the TTN A-band where previous null variants have been determined to be causative of disease (PVS1_Strong). The variant has been reported as Pathogenic by another diagnostic laboratory (ClinVar #932568) and is absent from population databases (PM2). It has not been reported in dbSNP or HGMD and variants further downstream from this variant are reported as disease causing.

CeGaT Center for Human Genetics Tuebingen
Classification: Pathogenic. Last evaluated: 2020-06-01. Review status: criteria provided, single submitter. Criteria: CeGaT Center For Human Genetics Tuebingen Variant Classification Criteria Version 2. Collection method: clinical testing. Allele origin: germline. Affected: yes. Observed: 1 variant allele.

NM_001267550.2(TTN):c.85200_85203del (p.Arg28401fs)

Genes: TTN (titin; minus strand), TTN-AS1 (TTN antisense RNA 1; plus strand). Cytogenetic location: 2q31.2.
Variant type: Microsatellite.
Coding change: c.85200_85203del on transcript NM_001267550.2 (MANE Select); coding-DNA positions 85200 to 85203, 4 bases deleted (AAGA; older notation c.85200_85203delAAGA).
Protein change: p.Arg28401fs; shifts the reading frame from arginine 28401.
Molecular consequence: frameshift variant.
Genome position (GRCh38, 1-based): chr2:178,560,929-178,560,932, TCTT deleted on the plus strand (AAGA on the coding strand, the reverse complement: TTN is on the minus strand); deleting any 4 consecutive bases within chr2:178,560,929-178,560,936 gives the same sequence; the c. name uses the placement nearest the transcript's 3' end. VCF-style (leftmost placement, unchanged base first): chr2-178560928-CTCTT-C. GRCh37 (hg19) VCF-style: chr2-179425655-CTCTT-C.
Other names: c.85200_85203delAAGA (NM_001267550.2); c.80277_80280del, p.Arg26760fs (NM_001256850.1); c.58005_58008del, p.Arg19336fs (NM_003319.4); c.77496_77499del, p.Arg25833fs (NM_133378.4); c.58380_58383del, p.Arg19461fs (NM_133432.3); c.58581_58584del, p.Arg19528fs (NM_133437.4); short protein forms R19528fs, R25833fs, R26760fs, R19336fs, R19461fs, R28401fs.
Identifiers: ClinVar variation 932568 (VCV000932568.40), dbSNP rs1703415128, ClinGen allele CA1310527242.